The following is an entry in ClinVar:

NM_182961.4(SYNE1):c.8210A>G (p.Asp2737Gly)

Gene: SYNE1 (spectrin repeat containing nuclear envelope protein 1; minus strand). Cytogenetic location: 6q25.2.
Variant type: single nucleotide variant.
Coding change: c.8210A>G on transcript NM_182961.4 (MANE Select); coding-DNA position 8210, A replaced by G.
Protein change: p.Asp2737Gly; replaces aspartic acid 2737 with glycine.
Molecular consequence: missense variant.
Genome position (GRCh38, 1-based): chr6:152,387,349, T>C on the plus strand (A>G on the coding strand, the complement: SYNE1 is on the minus strand). VCF-style: chr6-152387349-T-C. GRCh37 (hg19) VCF-style: chr6-152708484-T-C.
Other names: c.8231A>G, p.Asp2744Gly (NM_033071.5); short protein forms D2737G, D2744G.
Identifiers: ClinVar variation 290502 (VCV000290502.14), dbSNP rs886044469, ClinGen allele CA10606794.

ClinVar aggregate classification (germline): Uncertain significance. Review status: criteria provided, multiple submitters, no conflicts (2 of 4 stars). 2 submissions from 2 submitters: Uncertain significance (2). Last evaluated 2022-09-01.

Conditions:
Autosomal recessive ataxia, Beauce type. Also called: Spinocerebellar ataxia, autosomal recessive 8; ATAXIA, RECESSIVE, OF BEAUCE; SYNE1 Deficiency; SYNE1-Related Autosomal Recessive Cerebellar Ataxia. Identifiers: Orphanet 88644, MedGen C1853116, MONDO:0012549, OMIM 610743.
Emery-Dreifuss muscular dystrophy 4, autosomal dominant (EDMD4). Also called: EMERY-DREIFUSS MUSCULAR DYSTROPHY 4 WITH VARIABLE FEATURES. Identifiers: Orphanet 261, MedGen C2751807, MONDO:0013071, OMIM 612998.

Allele frequency attached by ClinVar (database versions not stated): gnomAD exomes below 0.00001; TOPMed 0.00001.
gnomAD v4.1: 2 of 1,614,188 alleles (0.00012%); highest among the groups gnomAD compares: African/African-American, 0.0013%; no homozygotes.

Submissions (2):

Labcorp Genetics (formerly Invitae), Labcorp
Classification: Uncertain significance for Emery-Dreifuss muscular dystrophy 4, autosomal dominant; Autosomal recessive ataxia, Beauce type. Last evaluated: 2022-09-01. Review status: criteria provided, single submitter. Criteria: Invitae Variant Classification Sherloc (09022015). Collection method: clinical testing. Allele origin: germline.
Comment: This sequence change replaces aspartic acid, which is acidic and polar, with glycine, which is neutral and non-polar, at codon 2744 of the SYNE1 protein (p.Asp2744Gly). This variant is present in population databases (no rsID available, gnomAD 0.007%). This variant has not been reported in the literature in individuals affected with SYNE1-related conditions. ClinVar contains an entry for this variant (Variation ID: 290502). Algorithms developed to predict the effect of missense changes on protein structure and function are either unavailable or do not agree on the potential impact of this missense change (SIFT: "Deleterious"; PolyPhen-2: "Benign"; Align-GVGD: "Class C15"). In summary, the available evidence is currently insufficient to determine the role of this variant in disease. Therefore, it has been classified as a Variant of Uncertain Significance.

Eurofins Ntd Llc (ga)
Classification: Uncertain significance. Last evaluated: 2016-08-29. Review status: criteria provided, single submitter. Criteria: EGL Classification Definitions 2015. Collection method: clinical testing. Allele origin: germline. Observed: 1 variant allele, 1 heterozygote.